The following is an entry in ClinVar:

ClinVar aggregate classification (germline): Pathogenic (1 of 4 stars; one submission).

Conditions:
Medium-chain acyl-coenzyme A dehydrogenase deficiency (ACADMD). Also called: MCADH DEFICIENCY; MCADD; MCAD Deficiency; ACADM DEFICIENCY; CARNITINE DEFICIENCY SECONDARY TO MEDIUM-CHAIN ACYL-CoA DEHYDROGENASE DEFICIENCY; Medium chain acyl-CoA dehydrogenase deficiency. Identifiers: Orphanet 42, MedGen C0220710, MONDO:0008721, OMIM 201450.

Submission:

Labcorp Genetics (formerly Invitae), Labcorp
Classification: Pathogenic for Medium-chain acyl-coenzyme A dehydrogenase deficiency. Last evaluated: 2024-01-18. Review status: criteria provided, single submitter. Criteria: Invitae Variant Classification Sherloc (09022015). Collection method: clinical testing. Allele origin: germline.
Comment: This sequence change creates a premature translational stop signal (p.Thr174Asnfs*9) in the ACADM gene. It is expected to result in an absent or disrupted protein product. Loss-of-function variants in ACADM are known to be pathogenic (PMID: 16121256, 20434380). This variant is not present in population databases (gnomAD no frequency). This variant has not been reported in the literature in individuals affected with ACADM-related conditions. For these reasons, this variant has been classified as Pathogenic.

Literature cited by the submitters: PubMed 16121256; PubMed 20434380.

NM_000016.6(ACADM):c.520dup (p.Thr174fs)

Gene: ACADM (acyl-CoA dehydrogenase medium chain; plus strand). Cytogenetic location: 1p31.1.
Variant type: Duplication.
Coding change: c.520dup on transcript NM_000016.6 (MANE Select); coding-DNA position 520, one base duplicated (A; older notation c.520dupA).
Protein change: p.Thr174fs; shifts the reading frame from threonine 174.
Molecular consequence: frameshift variant. On other transcripts: 5 prime UTR variant (1).
Genome position (GRCh38, 1-based): chr1:75,740,031, A duplicated. VCF-style (leftmost placement, unchanged base first): chr1-75740030-G-GA. GRCh37 (hg19) VCF-style: chr1-76205715-G-GA.
Other names: c.532dup, p.Thr178fs (NM_001127328.3); c.412dup, p.Thr138fs (NM_001286042.2); c.619dup, p.Thr207fs (NM_001286043.2); c.-48dup (NM_001286044.2); short protein forms T174fs, T138fs, T178fs, T207fs.
Identifiers: ClinVar variation 2710118 (VCV002710118.3), dbSNP rs2525608929, ClinGen allele CA2697552476.